The following is an entry in ClinVar:

ClinVar aggregate classification (germline): Benign/Likely benign. Review status: criteria provided, multiple submitters, no conflicts (2 of 4 stars). 3 submissions from 3 submitters: Benign (1); Likely benign (2). Last evaluated 2025-12-20.

Conditions:
Hereditary cancer-predisposing syndrome. Also called: Hereditary Cancer Syndrome; Neoplastic Syndromes, Hereditary; Tumor predisposition; Hereditary neoplastic syndrome. Identifiers: Orphanet 140162, MedGen C0027672, MeSH D009386, MONDO:0015356.
Familial cancer of breast. Also called: BREAST CANCER, FAMILIAL; hereditary breast carcinoma; Hereditary breast cancer. Identifiers: Orphanet 227535, MedGen C0346153, MONDO:0016419, OMIM 114480. Disease mechanism: loss of function.
Ataxia-telangiectasia syndrome (AT). Also called: LOUIS-BAR SYNDROME; Ataxia-telangiectasia, complementation group D; AT, COMPLEMENTATION GROUP C; ATAXIA-TELANGIECTASIA, COMPLEMENTATION GROUP A; ATAXIA-TELANGIECTASIA, FRESNO VARIANT; Ataxia-telangiectasia, complementation group E. Identifiers: Orphanet 100, MedGen C0004135, MONDO:0008840, OMIM 208900.

Allele frequency attached by ClinVar (database versions not stated): gnomAD exomes below 0.00001.
gnomAD v4.1: 1 of 1,613,256 alleles (0.000062%); highest among the groups gnomAD compares: South Asian, 0.0011%; no homozygotes.

Submissions (3):

Ambry Genetics
Classification: Likely benign for Hereditary cancer-predisposing syndrome. Last evaluated: 2025-12-20. Review status: criteria provided, single submitter. Criteria: Ambry Variant Classification Scheme 2023. Collection method: clinical testing. Allele origin: germline.

Myriad Genetics, Inc.
Classification: Benign for Familial cancer of breast. Last evaluated: 2024-04-25. Review status: criteria provided, single submitter. Criteria: Myriad Autosomal Dominant, Autosomal Recessive and X-Linked Classification Criteria (2023). Collection method: clinical testing. Allele origin: unknown.
Comment: This variant is considered benign. This variant is a silent/synonymous amino acid change and it is not expected to impact splicing.

Labcorp Genetics (formerly Invitae), Labcorp
Classification: Likely benign for Ataxia-telangiectasia syndrome. Last evaluated: 2020-10-06. Review status: criteria provided, single submitter. Criteria: Invitae Variant Classification Sherloc (09022015). Collection method: clinical testing. Allele origin: germline.

NM_000051.4(ATM):c.1128A>G (p.Glu376=)

Gene: ATM (ATM serine/threonine kinase; plus strand). Cytogenetic location: 11q22.3.
Variant type: single nucleotide variant.
Coding change: c.1128A>G on transcript NM_000051.4 (MANE Select); coding-DNA position 1128, A replaced by G.
Protein change: p.Glu376=; no amino-acid change (glutamic acid 376 retained).
Molecular consequence: synonymous variant.
Genome position (GRCh38, 1-based): chr11:108,248,995, A>G. VCF-style: chr11-108248995-A-G. GRCh37 (hg19) VCF-style: chr11-108119722-A-G.
Other names: c.1128A>G (NM_000051.3); c.1128A>G, p.Glu376= (NM_001351834.2).
Identifiers: ClinVar variation 1123014 (VCV001123014.11), dbSNP rs1186427608, ClinGen allele CA476671701.